The following is an entry in ClinVar:

ClinVar aggregate classification (germline): Uncertain significance (1 of 4 stars; one submission).

Conditions:
SLC29A4-related disorder. Also called: SLC29A4-related condition.

gnomAD v4.1: 1 of 1,613,896 alleles (0.000062%); highest among the groups gnomAD compares: Non-Finnish European, 0.000085%; no homozygotes.

Submission:

PreventionGenetics, part of Exact Sciences
Classification: Uncertain significance for SLC29A4-related condition. Last evaluated: 2026-02-12. Review status: criteria provided, single submitter. Criteria: ACMG Guidelines, 2015. Collection method: clinical testing. Allele origin: germline.
Comment: The SLC29A4 c.340T>G variant is predicted to result in the amino acid substitution p.Leu114Val. To our knowledge, this variant has not been reported in the literature or in a large population database (gnomAD), indicating this variant is rare. At this time, the clinical significance of this variant is uncertain due to the absence of conclusive functional and genetic evidence.

NM_153247.4(SLC29A4):c.340T>G (p.Leu114Val)

Gene: SLC29A4 (solute carrier family 29 member 4; plus strand). Cytogenetic location: 7p22.1.
Variant type: single nucleotide variant.
Coding change: c.340T>G on transcript NM_153247.4 (MANE Select); coding-DNA position 340, T replaced by G.
Protein change: p.Leu114Val; replaces leucine 114 with valine.
Molecular consequence: missense variant.
Genome position (GRCh38, 1-based): chr7:5,291,162, T>G. VCF-style: chr7-5291162-T-G. GRCh37 (hg19) VCF-style: chr7-5330793-T-G.
Other names: c.340T>G, p.Leu114Val (NM_001040661.3, NM_001300847.3); short protein forms L114V.
Identifiers: ClinVar variation 4982311 (VCV004982311.1).